The following is an entry in ClinVar:

ClinVar aggregate classification (germline): Uncertain significance. Review status: criteria provided, multiple submitters, no conflicts (2 of 4 stars). 5 submissions from 5 submitters: Uncertain significance (4). 1 of the submissions does not count toward it. Last evaluated 2025-04-15.

Conditions:
Inborn genetic diseases. Identifiers: MedGen C0950123, MeSH D030342.
Usher syndrome type 1D (USH1D). Also called: USHER SYNDROME, TYPE ID. Identifiers: Orphanet 231169, Orphanet 886, MedGen C1832845, MONDO:0010984, OMIM 601067.
Usher syndrome type 1F (USH1F). Also called: USHER SYNDROME, TYPE IF. Identifiers: Orphanet 231169, Orphanet 886, MedGen C1865885, MONDO:0011186, OMIM 602083.
Autosomal recessive nonsyndromic hearing loss 23. Identifiers: Orphanet 90636, MedGen C1836027, MONDO:0012293, OMIM 609533.

Allele frequency attached by ClinVar (database versions not stated): ExAC 0.00006; ESP Exome Variant Server 0.00008; gnomAD exomes 0.00008; TOPMed 0.00008.
gnomAD v4.1: 81 of 1,613,300 alleles (0.005%); highest among the groups gnomAD compares: Admixed American, 0.018%; no homozygotes.

Submissions (5):

Labcorp Genetics (formerly Invitae), Labcorp
Classification: Uncertain significance. Last evaluated: 2025-04-15. Review status: criteria provided, single submitter. Criteria: Invitae Variant Classification Sherloc (09022015). Collection method: clinical testing. Allele origin: germline.
Comment: This sequence change replaces threonine, which is neutral and polar, with methionine, which is neutral and non-polar, at codon 667 of the PCDH15 protein (p.Thr667Met). This variant is present in population databases (rs143090687, gnomAD 0.03%). This variant has not been reported in the literature in individuals affected with PCDH15-related conditions. ClinVar contains an entry for this variant (Variation ID: 850242). Invitae Evidence Modeling of protein sequence and biophysical properties (such as structural, functional, and spatial information, amino acid conservation, physicochemical variation, residue mobility, and thermodynamic stability) indicates that this missense variant is not expected to disrupt PCDH15 protein function with a negative predictive value of 95%. In summary, the available evidence is currently insufficient to determine the role of this variant in disease. Therefore, it has been classified as a Variant of Uncertain Significance.

GeneDx
Classification: Uncertain significance. Last evaluated: 2024-01-02. Review status: criteria provided, single submitter. Criteria: GeneDx Variant Classification Process June 2021. Collection method: clinical testing. Allele origin: germline. Affected: yes.
Comment: In silico analysis supports that this missense variant does not alter protein structure/function; Has not been previously published as pathogenic or benign to our knowledge

Ambry Genetics
Classification: Uncertain significance for Inborn genetic diseases. Last evaluated: 2023-12-21. Review status: criteria provided, single submitter. Criteria: Ambry Variant Classification Scheme 2023. Collection method: clinical testing. Allele origin: germline.

Fulgent Genetics
Classification: Uncertain significance for Usher syndrome type 1D; Usher syndrome type 1F; Autosomal recessive nonsyndromic hearing loss 23. Last evaluated: 2021-07-12. Review status: criteria provided, single submitter. Criteria: ACMG Guidelines, 2015. Collection method: clinical testing. Allele origin: unknown.

Natera, Inc.
Classification: Uncertain significance for Usher syndrome type 1F. Last evaluated: 2020-09-16. Review status: no assertion criteria provided. Collection method: clinical testing. Allele origin: germline. Not counted in ClinVar's aggregate classification.

NM_001384140.1(PCDH15):c.2000C>T (p.Thr667Met)

Gene: PCDH15 (protocadherin related 15; minus strand). Cytogenetic location: 10q21.1.
Variant type: single nucleotide variant.
Coding change: c.2000C>T on transcript NM_001384140.1 (MANE Select); coding-DNA position 2000, C replaced by T.
Protein change: p.Thr667Met; replaces threonine 667 with methionine.
Molecular consequence: missense variant.
Genome position (GRCh38, 1-based): chr10:54,079,422, G>A on the plus strand (C>T on the coding strand, the complement: PCDH15 is on the minus strand). VCF-style: chr10-54079422-G-A. GRCh37 (hg19) VCF-style: chr10-55839182-G-A.
Other names: c.2015C>T, p.Thr672Met (NM_001142763.2, NM_001142771.2); c.2000C>T, p.Thr667Met (NM_001142764.2, NM_001142766.2, NM_001142770.3 and 5 more transcripts); c.1787C>T, p.Thr596Met (NM_001142765.2); c.1889C>T, p.Thr630Met (NM_001142767.2); c.1934C>T, p.Thr645Met (NM_001142768.2, NM_001142773.2, NM_001354404.2); c.2036C>T, p.Thr679Met (NM_001142769.4); c.2021C>T, p.Thr674Met (NM_001354411.2); short protein forms T672M, T674M, T679M, T596M, T667M, T630M, T645M.
Identifiers: ClinVar variation 850242 (VCV000850242.8), dbSNP rs143090687, ClinGen allele CA5506157.